The following is an entry in ClinVar:

ClinVar aggregate classification (germline): Pathogenic (1 of 4 stars; one submission).

Conditions:
Primary ciliary dyskinesia. Also called: Ciliary dyskinesia. Identifiers: Orphanet 244, MedGen C0008780, MONDO:0016575, HP:0012265.

Submission:

Labcorp Genetics (formerly Invitae), Labcorp
Classification: Pathogenic for Primary ciliary dyskinesia. Last evaluated: 2023-06-15. Review status: criteria provided, single submitter. Criteria: Invitae Variant Classification Sherloc (09022015). Collection method: clinical testing. Allele origin: germline.
Comment: This sequence change creates a premature translational stop signal (p.Trp3505Valfs*5) in the DNAH11 gene. It is expected to result in an absent or disrupted protein product. Loss-of-function variants in DNAH11 are known to be pathogenic (PMID: 18022865, 20513915, 22184204). For these reasons, this variant has been classified as Pathogenic. This variant has not been reported in the literature in individuals affected with DNAH11-related conditions. This variant is not present in population databases (gnomAD no frequency).

Literature cited by the submitters: PubMed 18022865; PubMed 20513915; PubMed 22184204.

NM_001277115.2(DNAH11):c.10512dup (p.Trp3505fs)

Gene: DNAH11 (dynein axonemal heavy chain 11; plus strand). Cytogenetic location: 7p15.3.
Variant type: Duplication.
Coding change: c.10512dup on transcript NM_001277115.2 (MANE Select); coding-DNA position 10512, one base duplicated (G; older notation c.10512dupG).
Protein change: p.Trp3505fs; shifts the reading frame from tryptophan 3505.
Molecular consequence: frameshift variant.
Genome position (GRCh38, 1-based): chr7:21,816,646, G duplicated. VCF-style (leftmost placement, unchanged base first): chr7-21816645-A-AG. GRCh37 (hg19) VCF-style: chr7-21856263-A-AG.
Other names: c.10533dup, p.Trp3512Valfs (NM_003777.3); short protein forms W3505fs.
Identifiers: ClinVar variation 2716211 (VCV002716211.3), dbSNP rs2535357275, ClinGen allele CA2697557164.
Genomic context (GRCh38, chr7:21,816,645, plus strand): 5'-CTATCCTAACACACTGTGAGCGCTGGCCTCTGGTGATAGATCCCCAGCAACAGGGAATTA[A>AG]GTGGATCAAGAATAAGTATGGAATGGACCTGAAAGTCACACATTTGGGCCAGAAAGGGTA-3'